The following is an entry in ClinVar:

ClinVar aggregate classification (germline): Uncertain significance (1 of 4 stars; one submission).

Conditions:
Hypopigmentation-punctate palmoplantar keratoderma syndrome. Also called: GUTTATE HYPOPIGMENTATION AND PUNCTATE PALMOPLANTAR KERATODERMA WITH OR WITHOUT ECTOPIC CALCIFICATION; Cole disease. Identifiers: Orphanet 324561, MedGen C3809781, MONDO:0014227, OMIM 615522.

Submission:

Institute of Human Genetics, University of Leipzig Medical Center
Classification: Uncertain significance for Hypopigmentation-punctate palmoplantar keratoderma syndrome. Last evaluated: 2019-01-01. Review status: criteria provided, single submitter. Criteria: ACMG Guidelines, 2015. Collection method: clinical testing. Allele origin: unknown. Affected: yes.
Comment: This variant was identified as compound heterozygous.

NM_006208.3(ENPP1):c.1391A>G (p.Asp464Gly)

Gene: ENPP1 (ectonucleotide pyrophosphatase/phosphodiesterase 1; plus strand). Cytogenetic location: 6q23.2.
Variant type: single nucleotide variant.
Coding change: c.1391A>G on transcript NM_006208.3 (MANE Select); coding-DNA position 1391, A replaced by G.
Protein change: p.Asp464Gly; replaces aspartic acid 464 with glycine.
Molecular consequence: missense variant.
Genome position (GRCh38, 1-based): chr6:131,869,475, A>G. VCF-style: chr6-131869475-A-G. GRCh37 (hg19) VCF-style: chr6-132190615-A-G.
Other names: short protein forms D464G.
Identifiers: ClinVar variation 982597 (VCV000982597.1), dbSNP rs1782132213, ClinGen allele CA365675150.
Genomic context (GRCh38, chr6:131,869,475, plus strand): 5'-TTAAAAATATTAAAGTTATCTATGGACCTGCAGCTCGATTGAGACCCTCTGATGTCCCAG[A>G]TAAATACTATTCATGTAAGTATATCTCTGTGATAACTTTGAATATGGTCATATTAAGAAT-3'
Protein context (NP_006199.2, residues 454-474): AARLRPSDVP[Asp464Gly]KYYSFNYEGI